The following is an entry in ClinVar:

ClinVar aggregate classification (germline): Benign/Likely benign. Review status: criteria provided, multiple submitters, no conflicts (2 of 4 stars). 6 submissions from 6 submitters: Benign (1); Likely benign (3). 2 of the submissions do not count toward it. Last evaluated 2023-04-01.

Conditions:
Type 2 diabetes mellitus. Also called: Type II diabetes mellitus. Identifiers: MedGen C0011860, MeSH D003924, MONDO:0005148, OMIM 125853, HP:0005978.

Allele frequency attached by ClinVar (database versions not stated): 1000 Genomes Project 30x 0.00375; 1000 Genomes Project 0.00399; TOPMed 0.00734; gnomAD 0.00805 and 0.00841; ExAC 0.00820; gnomAD exomes 0.00828 and 0.01219; ESP Exome Variant Server 0.00954.
gnomAD v4.1: 18,922 of 1,613,528 alleles (1.2%); highest among the groups gnomAD compares: Non-Finnish European, 1.4%; 145 homozygotes.

Submissions (6):

CeGaT Center for Human Genetics Tuebingen
Classification: Benign. Last evaluated: 2023-04-01. Review status: criteria provided, single submitter. Criteria: CeGaT Center For Human Genetics Tuebingen Variant Classification Criteria Version 2. Collection method: clinical testing. Allele origin: germline. Affected: yes. Observed: 1 variant allele.
Comment: IRS1: BP4, BS1, BS2

Laboratory for Molecular Medicine, Mass General Brigham Personalized Medicine
Classification: Likely benign. Last evaluated: 2016-03-29. Review status: criteria provided, single submitter. Criteria: LMM Criteria. Collection method: clinical testing. Allele origin: germline.
Comment: Variant identified in a genome or exome case(s) and assessed due to predicted null impact of the variant or pathogenic assertions in the literature or databases. Disclaimer: This variant has not undergone full assessment. 2% MAF.

Genome Diagnostics Laboratory, University Medical Center Utrecht
Classification: Likely benign for Type 2 diabetes mellitus. Last evaluated: 2014-12-17. Review status: criteria provided, single submitter. Criteria: ACGS Guidelines, 2013. Collection method: clinical testing. Allele origin: germline. Affected: yes. Study: VKGL Data-share Consensus.

Breakthrough Genomics
Classification: Likely benign. Review status: criteria provided, single submitter. Criteria: ACMG Guidelines, 2015. Collection method: not provided. Allele origin: germline. Inheritance: Autosomal dominant inheritance. Affected: yes.

Genome Diagnostics Laboratory, Amsterdam University Medical Center
Classification: Likely benign for Type 2 diabetes mellitus. Last evaluated: 2017-01-03. Review status: no assertion criteria provided. Criteria: ACGS Guidelines, 2013. Collection method: clinical testing. Allele origin: germline. Affected: yes. Study: VKGL Data-share Consensus. Not counted in ClinVar's aggregate classification.

Clinical Genetics, Academic Medical Center
Classification: Likely benign. Review status: no assertion criteria provided. Collection method: clinical testing. Allele origin: germline. Affected: yes. Study: VKGL Data-share Consensus. Not counted in ClinVar's aggregate classification.

NM_005544.3(IRS1):c.2452G>C (p.Gly818Arg)

Gene: IRS1 (insulin receptor substrate 1; minus strand). Cytogenetic location: 2q36.3.
Variant type: single nucleotide variant.
Coding change: c.2452G>C on transcript NM_005544.3 (MANE Select); coding-DNA position 2452, G replaced by C.
Protein change: p.Gly818Arg; replaces glycine 818 with arginine.
Molecular consequence: missense variant.
Genome position (GRCh38, 1-based): chr2:226,796,287, C>G on the plus strand (G>C on the coding strand, the complement: IRS1 is on the minus strand). VCF-style: chr2-226796287-C-G. GRCh37 (hg19) VCF-style: chr2-227661003-C-G.
Other names: short protein forms G818R.
Identifiers: ClinVar variation 402985 (VCV000402985.33), dbSNP rs41265094, ClinGen allele CA2143100.